The following is an entry in ClinVar:

NC_000023.10:g.(?_32235013)_(32563471_?)del

Gene: DMD (dystrophin; minus strand). Cytogenetic location: Xp21.1.
Variant type: Deletion.
Identifiers: ClinVar variation 1459129 (VCV001459129.6).

ClinVar aggregate classification (germline): Pathogenic (1 of 4 stars; one submission).

Conditions:
Duchenne muscular dystrophy (DMD). Also called: Duchenne Muscular Dystrophy (DMD); MUSCULAR DYSTROPHY, PSEUDOHYPERTROPHIC PROGRESSIVE, DUCHENNE TYPE. Identifiers: Orphanet 98896, MedGen C0013264, MONDO:0010679, OMIM 310200.

Submission:

Labcorp Genetics (formerly Invitae), Labcorp
Classification: Pathogenic for Duchenne muscular dystrophy. Last evaluated: 2022-12-26. Review status: criteria provided, single submitter. Criteria: Invitae Variant Classification Sherloc (09022015). Collection method: clinical testing. Allele origin: germline.
Comment: For these reasons, this variant has been classified as Pathogenic. This variant disrupts a region of the DMD protein in which other variant(s) (Deletion (Exons 35-44) have been determined to be pathogenic (PMID: 2063877, 8429320, 19367636, 20036901). This suggests that this is a clinically significant region of the protein, and that variants that disrupt it are likely to be disease-causing. A similar copy number variant has been observed in individual(s) with clinical features of DMD-related conditions (PMID: 18663755). This variant is a gross deletion of the genomic region encompassing exon(s) 17-44 of the DMD gene. This variant would be expected to be in-frame, preserving the integrity of the reading frame.

Literature cited by the submitters: PubMed 2063877; PubMed 8429320; PubMed 19367636; PubMed 20036901; PubMed 18663755.